The following is an entry in ClinVar:

NM_002335.4(LRP5):c.2518G>A (p.Val840Met)

Gene: LRP5 (LDL receptor related protein 5; plus strand). Cytogenetic location: 11q13.2.
Variant type: single nucleotide variant.
Coding change: c.2518G>A on transcript NM_002335.4 (MANE Select); coding-DNA position 2518, G replaced by A.
Protein change: p.Val840Met; replaces valine 840 with methionine.
Molecular consequence: missense variant.
Genome position (GRCh38, 1-based): chr11:68,413,703, G>A. VCF-style: chr11-68413703-G-A. GRCh37 (hg19) VCF-style: chr11-68181171-G-A.
Other names: c.2518G>A (NM_002335.2); c.775G>A, p.Val259Met (NM_001291902.2); short protein forms V259M, V840M.
Identifiers: ClinVar variation 937241 (VCV000937241.11), dbSNP rs757262154, ClinGen allele CA6149675.

ClinVar aggregate classification (germline): Uncertain significance. Review status: criteria provided, multiple submitters, no conflicts (2 of 4 stars). 3 submissions from 3 submitters: Uncertain significance (3). Last evaluated 2025-12-01.

Conditions:
Exudative vitreoretinopathy 4 (EVR4). Identifiers: Orphanet 891, MedGen C1866176, MONDO:0011151, OMIM 601813.
Exudative vitreoretinopathy 1 (EVR1). Also called: CRISWICK-SCHEPENS SYNDROME; FEVR, AUTOSOMAL DOMINANT; Familial exudative vitreoretinopathy, autosomal dominant. Identifiers: Orphanet 891, Orphanet 90050, MedGen C1851402, MONDO:0007589, OMIM 133780.
Osteoporosis. Identifiers: MedGen C0029456, MONDO:0005298, OMIM 166710, HP:0000939.
Osteoporosis with pseudoglioma (OPPG). Also called: osteoporosis-pseudoglioma syndrome. Identifiers: Orphanet 2788, MedGen C0432252, MONDO:0009820, OMIM 259770.
Autosomal dominant osteopetrosis 1 (OPTA1). Also called: OSTEOPETROSIS, AUTOSOMAL DOMINANT, TYPE I. Identifiers: Orphanet 2783, MedGen C1843330, MONDO:0011877, OMIM 607634.
Bone mineral density quantitative trait locus 1 (BMND1). Identifiers: MedGen C1866079, OMIM 601884.
Worth disease. Also called: Autosomal dominant osteosclerosis, Worth type; ENDOSTEAL HYPEROSTOSIS, AUTOSOMAL DOMINANT; OSTEOSCLEROSIS, AUTOSOMAL DOMINANT. Identifiers: Orphanet 2790, MedGen C0432273, MONDO:0007764, OMIM 144750.
Polycystic liver disease 4 with or without kidney cysts. Identifiers: MedGen C4693479, MONDO:0044327, OMIM 617875.
Inborn genetic diseases. Identifiers: MedGen C0950123, MeSH D030342.

Allele frequency attached by ClinVar (database versions not stated): ExAC 0.00002; gnomAD 0.00003 and 0.00004; gnomAD exomes 0.00003; TOPMed 0.00005.
gnomAD v4.1: 25 of 1,613,640 alleles (0.0015%); highest among the groups gnomAD compares: Admixed American, 0.027%; no homozygotes.

Submissions (3):

Labcorp Genetics (formerly Invitae), Labcorp
Classification: Uncertain significance. Last evaluated: 2025-12-01. Review status: criteria provided, single submitter. Criteria: Invitae Variant Classification Sherloc (09022015). Collection method: clinical testing. Allele origin: germline.
Comment: This sequence change replaces valine, which is neutral and non-polar, with methionine, which is neutral and non-polar, at codon 840 of the LRP5 protein (p.Val840Met). This variant is present in population databases (rs757262154, gnomAD 0.02%). This variant has not been reported in the literature in individuals affected with LRP5-related conditions. ClinVar contains an entry for this variant (Variation ID: 937241). Invitae Evidence Modeling of protein sequence and biophysical properties (such as structural, functional, and spatial information, amino acid conservation, physicochemical variation, residue mobility, and thermodynamic stability) has been performed for this missense variant. However, the output from this modeling did not meet the statistical confidence thresholds required to predict the impact of this variant on LRP5 protein function. In summary, the available evidence is currently insufficient to determine the role of this variant in disease. Therefore, it has been classified as a Variant of Uncertain Significance.

Ambry Genetics
Classification: Uncertain significance for Inborn genetic diseases. Last evaluated: 2023-05-30. Review status: criteria provided, single submitter. Criteria: Ambry Variant Classification Scheme 2023. Collection method: clinical testing. Allele origin: germline.

Fulgent Genetics
Classification: Uncertain significance for Exudative vitreoretinopathy 1; Worth disease; Osteoporosis; Osteoporosis with pseudoglioma; Exudative vitreoretinopathy 4; Bone mineral density quantitative trait locus 1; Autosomal dominant osteopetrosis 1; Polycystic liver disease 4 with or without kidney cysts. Last evaluated: 2022-01-17. Review status: criteria provided, single submitter. Criteria: ACMG Guidelines, 2015. Collection method: clinical testing. Allele origin: unknown.